The following is an entry in ClinVar:

ClinVar aggregate classification (germline): Uncertain significance. Review status: criteria provided, multiple submitters, no conflicts (2 of 4 stars). 2 submissions from 2 submitters: Uncertain significance (2). Last evaluated 2025-08-26.

Conditions:
DCHS1-related disorder. Also called: DCHS1-related condition.

Allele frequency attached by ClinVar (database versions not stated): TOPMed 0.00002; ExAC 0.00003; gnomAD 0.00002.

Submissions (2):

Labcorp Genetics (formerly Invitae), Labcorp
Classification: Uncertain significance. Last evaluated: 2025-08-26. Review status: criteria provided, single submitter. Criteria: Invitae Variant Classification Sherloc (09022015). Collection method: clinical testing. Allele origin: germline.
Comment: This sequence change replaces arginine, which is basic and polar, with histidine, which is basic and polar, at codon 2768 of the DCHS1 protein (p.Arg2768His). The frequency data for this variant in the population databases is considered unreliable, as metrics indicate poor data quality at this position in the gnomAD database. This variant has not been reported in the literature in individuals affected with DCHS1-related conditions. ClinVar contains an entry for this variant (Variation ID: 2629262). Invitae Evidence Modeling of protein sequence and biophysical properties (such as structural, functional, and spatial information, amino acid conservation, physicochemical variation, residue mobility, and thermodynamic stability) indicates that this missense variant is not expected to disrupt DCHS1 protein function with a negative predictive value of 80%. In summary, the available evidence is currently insufficient to determine the role of this variant in disease. Therefore, it has been classified as a Variant of Uncertain Significance.

PreventionGenetics, part of Exact Sciences
Classification: Uncertain significance for DCHS1-related condition. Last evaluated: 2022-10-26. Review status: criteria provided, single submitter. Criteria: ACMG Guidelines, 2015. Collection method: clinical testing. Allele origin: germline.
Comment: The DCHS1 c.8303G>A variant is predicted to result in the amino acid substitution p.Arg2768His. To our knowledge, this variant has not been reported in the literature. This variant is reported in 0.0063% of alleles in individuals of Latino descent in gnomAD. At this time, the clinical significance of this variant is uncertain due to the absence of conclusive functional and genetic evidence.

NM_003737.4(DCHS1):c.8303G>A (p.Arg2768His)

Gene: DCHS1 (dachsous cadherin-related 1; minus strand). Cytogenetic location: 11p15.4.
Variant type: single nucleotide variant.
Coding change: c.8303G>A on transcript NM_003737.4 (MANE Select); coding-DNA position 8303, G replaced by A.
Protein change: p.Arg2768His; replaces arginine 2768 with histidine.
Molecular consequence: missense variant.
Genome position (GRCh38, 1-based): chr11:6,623,373, C>T on the plus strand (G>A on the coding strand, the complement: DCHS1 is on the minus strand). VCF-style: chr11-6623373-C-T. GRCh37 (hg19) VCF-style: chr11-6644604-C-T.
Other names: short protein forms R2768H.
Identifiers: ClinVar variation 2629262 (VCV002629262.4), dbSNP rs776368310, ClinGen allele CA5859451.